The following is an entry in ClinVar:

NM_145167.3(PIGM):c.557dup (p.Tyr186Ter)

Gene: PIGM (phosphatidylinositol glycan anchor biosynthesis class M; minus strand). Cytogenetic location: 1q23.2.
Variant type: Duplication.
Coding change: c.557dup on transcript NM_145167.3 (MANE Select); coding-DNA position 557, one base duplicated (A; older notation c.557dupA).
Protein change: p.Tyr186Ter; replaces tyrosine 186 with a stop codon.
Molecular consequence: nonsense.
Genome position (GRCh38, 1-based): chr1:160,031,183, T duplicated on the plus strand (A on the coding strand, the reverse complement: PIGM is on the minus strand). VCF-style (leftmost placement, unchanged base first): chr1-160031182-G-GT. GRCh37 (hg19) VCF-style: chr1-160000972-G-GT.
Other names: short protein forms Y186*.
Identifiers: ClinVar variation 3573795 (VCV003573795.1).

ClinVar aggregate classification (germline): Uncertain significance (1 of 4 stars; one submission).

Submission:

GeneDx
Classification: Uncertain significance. Last evaluated: 2024-07-13. Review status: criteria provided, single submitter. Criteria: GeneDx Variant Classification Process June 2021. Collection method: clinical testing. Allele origin: germline. Affected: yes.
Comment: Nonsense variant predicted to result in protein truncation as the last 238 amino acids are lost, although loss-of-function variants have not been reported downstream of this position in the protein; Not observed at significant frequency in large population cohorts (gnomAD); Has not been previously published as pathogenic or benign to our knowledge